The following is an entry in ClinVar:

ClinVar aggregate classification (germline): Uncertain significance. Review status: criteria provided, multiple submitters, no conflicts (2 of 4 stars). 2 submissions from 2 submitters: Uncertain significance (2). Last evaluated 2025-01-08.

Conditions:
Congenital myasthenic syndrome 10. Also called: Myasthenia, limb-girdle, familial. Identifiers: Orphanet 590, MedGen C1850792, MONDO:0009690, OMIM 254300.
Fetal akinesia deformation sequence 1 (FADS1). Also called: Pena-Shokeir syndrome type I; Fetal akinesia sequence. Identifiers: Orphanet 994, MedGen C1276035, MONDO:0100101, OMIM 208150, HP:0001989.
Inborn genetic diseases. Identifiers: MedGen C0950123, MeSH D030342.

Allele frequency attached by ClinVar (database versions not stated): TOPMed 0.00002; gnomAD 0.00003; ExAC 0.00004.

Submissions (2):

Ambry Genetics
Classification: Uncertain significance for Inborn genetic diseases. Last evaluated: 2025-01-08. Review status: criteria provided, single submitter. Criteria: Ambry Variant Classification Scheme 2023. Collection method: clinical testing. Allele origin: germline.

Labcorp Genetics (formerly Invitae), Labcorp
Classification: Uncertain significance for Congenital myasthenic syndrome 10; Fetal akinesia deformation sequence 1. Last evaluated: 2022-08-09. Review status: criteria provided, single submitter. Criteria: Invitae Variant Classification Sherloc (09022015). Collection method: clinical testing. Allele origin: germline.
Comment: This sequence change replaces serine, which is neutral and polar, with tyrosine, which is neutral and polar, at codon 204 of the DOK7 protein (p.Ser204Tyr). This variant is present in population databases (no rsID available, gnomAD 0.005%). This variant has not been reported in the literature in individuals affected with DOK7-related conditions. ClinVar contains an entry for this variant (Variation ID: 934322). Algorithms developed to predict the effect of missense changes on protein structure and function are either unavailable or do not agree on the potential impact of this missense change (SIFT: "Deleterious"; PolyPhen-2: "Probably Damaging"; Align-GVGD: "Class C15"). In summary, the available evidence is currently insufficient to determine the role of this variant in disease. Therefore, it has been classified as a Variant of Uncertain Significance.

NM_173660.5(DOK7):c.611C>A (p.Ser204Tyr)

Gene: DOK7 (docking protein 7; plus strand). Cytogenetic location: 4p16.3.
Variant type: single nucleotide variant.
Coding change: c.611C>A on transcript NM_173660.5 (MANE Select); coding-DNA position 611, C replaced by A.
Protein change: p.Ser204Tyr; replaces serine 204 with tyrosine.
Molecular consequence: missense variant. On other transcripts: synonymous variant (1), 5 prime UTR variant (1).
Genome position (GRCh38, 1-based): chr4:3,485,617, C>A. VCF-style: chr4-3485617-C-A. GRCh37 (hg19) VCF-style: chr4-3487344-C-A.
Other names: c.600C>A, p.Leu200= (NM_001164673.2); c.-320C>A (NM_001256896.2); c.611C>A, p.Ser204Tyr (NM_001301071.2); c.179C>A, p.Ser60Tyr (NM_001363811.2); short protein forms S204Y, S60Y.
Identifiers: ClinVar variation 934322 (VCV000934322.8), dbSNP rs1219693310, ClinGen allele CA2829081.